The following is an entry in ClinVar:

NM_012330.4(KAT6B):c.2501A>T (p.Glu834Val)

Gene: KAT6B (lysine acetyltransferase 6B; plus strand). Cytogenetic location: 10q22.2.
Variant type: single nucleotide variant.
Coding change: c.2501A>T on transcript NM_012330.4 (MANE Select); coding-DNA position 2501, A replaced by T.
Protein change: p.Glu834Val; replaces glutamic acid 834 with valine.
Molecular consequence: missense variant. On other transcripts: intron variant (4).
Genome position (GRCh38, 1-based): chr10:74,985,207, A>T. VCF-style: chr10-74985207-A-T. GRCh37 (hg19) VCF-style: chr10-76744965-A-T.
Other names: c.1952A>T, p.Glu651Val (NM_001256468.2, NM_001370138.1); c.1625A>T, p.Glu542Val (NM_001256469.2, NM_001370139.1, NM_001370140.1 and 2 more transcripts); c.2501A>T, p.Glu834Val (NM_001370136.1, NM_001370137.1); c.1436A>T, p.Glu479Val (NM_001370143.1, NM_001370144.1); c.847-3812A>T (NM_001370133.1); c.450+3279A>T (NM_001370134.1); c.1497+3279A>T (NM_001370132.1); c.193-3812A>T (NM_001370135.1); and 1 more; short protein forms E834V, E542V, E651V, E479V.
Identifiers: ClinVar variation 1421016 (VCV001421016.8), dbSNP rs768402080, ClinGen allele CA5564602.

ClinVar aggregate classification (germline): Conflicting classifications of pathogenicity. Review status: criteria provided, conflicting classifications (1 of 4 stars). 3 submissions from 3 submitters: Uncertain significance (1); Benign (1); Likely benign (1). Last evaluated 2026-02-04.

Conditions:
Genitopatellar syndrome (GTPTS). Also called: Genitopatellar syndrome (GPS); ABSENT PATELLAE, SCROTAL HYPOPLASIA, RENAL ANOMALIES, FACIAL DYSMORPHISM, AND MENTAL RETARDATION. Identifiers: Orphanet 85201, MedGen C1853566, MONDO:0011640, OMIM 606170.
Inborn genetic diseases. Identifiers: MedGen C0950123, MeSH D030342.

Allele frequency attached by ClinVar (database versions not stated): ExAC 0.00001; gnomAD exomes 0.00001; TOPMed 0.00001.
gnomAD v4.1: 41 of 1,614,150 alleles (0.0025%); highest among the groups gnomAD compares: Non-Finnish European, 0.0035%; no homozygotes.

Submissions (3):

Women's Health and Genetics/Laboratory Corporation of America, LabCorp
Classification: Uncertain significance. Last evaluated: 2026-02-04. Review status: criteria provided, single submitter. Criteria: LabCorp Variant Classification Summary - May 2015. Collection method: clinical testing. Allele origin: germline.
Comment: Variant summary: KAT6B c.2501A>T (p.Glu834Val) results in a non-conservative amino acid change in the encoded protein sequence. Algorithms developed to predict the effect of missense changes on protein structure and function are either unavailable or do not agree on the potential impact of this missense change. The variant allele was found at a frequency of 2.5e-05 in 1614150 control chromosomes (gnomAD v4). This frequency is not significantly higher than estimated for disease-causing variants in KAT6B, allowing no conclusion about variant significance. To our knowledge, no occurrence of c.2501A>T in individuals affected with KAT6B-related conditions and no experimental evidence demonstrating its impact on protein function have been reported. ClinVar contains an entry for this variant (Variation ID: 1421016). Based on the evidence outlined above, the variant was classified as uncertain significance.

Labcorp Genetics (formerly Invitae), Labcorp
Classification: Benign for Genitopatellar syndrome. Last evaluated: 2025-06-22. Review status: criteria provided, single submitter. Criteria: Invitae Variant Classification Sherloc (09022015). Collection method: clinical testing. Allele origin: germline.

Ambry Genetics
Classification: Likely benign for Inborn genetic diseases. Last evaluated: 2024-11-13. Review status: criteria provided, single submitter. Criteria: Ambry Variant Classification Scheme 2023. Collection method: clinical testing. Allele origin: germline.